The following is an entry in ClinVar:

NM_005876.5(SPEG):c.14G>A (p.Arg5Gln)

Gene: SPEG (striated muscle enriched protein kinase; plus strand). Cytogenetic location: 2q35.
Variant type: single nucleotide variant.
Coding change: c.14G>A on transcript NM_005876.5 (MANE Select); coding-DNA position 14, G replaced by A.
Protein change: p.Arg5Gln; replaces arginine 5 with glutamine.
Molecular consequence: missense variant.
Genome position (GRCh38, 1-based): chr2:219,434,991, G>A. VCF-style: chr2-219434991-G-A. GRCh37 (hg19) VCF-style: chr2-220299713-G-A.
Other names: c.14G>A (NM_005876.4); short protein forms R5Q.
Identifiers: ClinVar variation 2143491 (VCV002143491.3), dbSNP rs576016632, ClinGen allele CA65993213.
Genomic context (GRCh38, chr2:219,434,991, plus strand): 5'-CGTGGCCGCCCAGTTCCGGCGTCCCCCCAGCCCAGCTCTCAGTGGCCATGCAGAAAGCCC[G>A]GGGCACGCGAGGCGAGGATGCGGGCACGAGGGCACCCCCCAGCCCCGGAGTGCCCCCGAA-3'
Protein context (NP_005867.3, residues 1-15): MQKA[Arg5Gln]GTRGEDAGTR

ClinVar aggregate classification (germline): Uncertain significance. Review status: criteria provided, multiple submitters, no conflicts (2 of 4 stars). 2 submissions from 2 submitters: Uncertain significance (2). Last evaluated 2026-03-11.

Conditions:
Inborn genetic diseases. Identifiers: MedGen C0950123, MeSH D030342.

Allele frequency attached by ClinVar (database versions not stated): 1000 Genomes Project 0.00020; 1000 Genomes Project 30x 0.00031.
gnomAD v4.1: 23 of 1,505,862 alleles (0.0015%); highest among the groups gnomAD compares: Admixed American, 0.019%; no homozygotes.

Submissions (2):

Ambry Genetics
Classification: Uncertain significance for Inborn genetic diseases. Last evaluated: 2026-03-11. Review status: criteria provided, single submitter. Criteria: Ambry Variant Classification Scheme 2023. Collection method: clinical testing. Allele origin: germline.

Labcorp Genetics (formerly Invitae), Labcorp
Classification: Uncertain significance. Last evaluated: 2022-05-27. Review status: criteria provided, single submitter. Criteria: Invitae Variant Classification Sherloc (09022015). Collection method: clinical testing. Allele origin: germline.
Comment: This sequence change replaces arginine, which is basic and polar, with glutamine, which is neutral and polar, at codon 5 of the SPEG protein (p.Arg5Gln). This variant is not present in population databases (gnomAD no frequency). This variant has not been reported in the literature in individuals affected with SPEG-related conditions. Algorithms developed to predict the effect of missense changes on protein structure and function are either unavailable or do not agree on the potential impact of this missense change (SIFT: "Deleterious"; PolyPhen-2: "Benign"; Align-GVGD: "Class C0"). In summary, the available evidence is currently insufficient to determine the role of this variant in disease. Therefore, it has been classified as a Variant of Uncertain Significance.